The following is an entry in ClinVar:

NM_003072.5(SMARCA4):c.745T>A (p.Tyr249Asn)

Gene: SMARCA4 (SWI/SNF related BAF chromatin remodeling complex subunit ATPase 4; plus strand). Cytogenetic location: 19p13.2.
Variant type: single nucleotide variant.
Coding change: c.745T>A on transcript NM_003072.5 (MANE Select); coding-DNA position 745, T replaced by A.
Protein change: p.Tyr249Asn; replaces tyrosine 249 with asparagine.
Molecular consequence: missense variant. On other transcripts: non-coding transcript variant (1).
Genome position (GRCh38, 1-based): chr19:10,986,578, T>A. VCF-style: chr19-10986578-T-A. GRCh37 (hg19) VCF-style: chr19-11097254-T-A.
Other names: c.745T>A, p.Tyr249Asn (NM_001128844.3, NM_001128845.2, NM_001128846.2 and 4 more transcripts); short protein forms Y249N.
Identifiers: ClinVar variation 827065 (VCV000827065.5), dbSNP rs1314840008, ClinGen allele CA404057281.

ClinVar aggregate classification (germline): Uncertain significance (1 of 4 stars; one submission).

Conditions:
Hereditary cancer-predisposing syndrome. Also called: Neoplastic Syndromes, Hereditary; Tumor predisposition; Hereditary neoplastic syndrome; Hereditary Cancer Syndrome. Identifiers: Orphanet 140162, MedGen C0027672, MeSH D009386, MONDO:0015356.

Allele frequency attached by ClinVar (database versions not stated): gnomAD exomes below 0.00001 and 0.00001.

Submission:

Ambry Genetics
Classification: Uncertain significance for Hereditary cancer-predisposing syndrome. Last evaluated: 2023-04-27. Review status: criteria provided, single submitter. Criteria: Ambry Variant Classification Scheme 2023. Collection method: clinical testing. Allele origin: germline.
Comment: The p.Y249N variant (also known as c.745T>A), located in coding exon 3 of the SMARCA4 gene, results from a T to A substitution at nucleotide position 745. The tyrosine at codon 249 is replaced by asparagine, an amino acid with dissimilar properties. This amino acid position is highly conserved in available vertebrate species. In addition, this alteration is predicted to be deleterious by in silico analysis. Missense and in-frame variants in SMARCA4 are known to cause neurodevelopmental disorders; however, such associations with rhabdoid tumor predisposition syndrome including small cell carcinoma of the ovary-hypercalcemic type (SCCOHT) are exceedingly rare (Kosho T et al. Am J Med Genet C Semin Med Genet. 2014 Sep;166C(3):262-75; Jelinic P et al. Nat Genet. 2014 May;46(5):424-6). Since supporting evidence is limited at this time, the clinical significance of this alteration remains unclear.